The following is an entry in ClinVar:

NM_001211.6(BUB1B):c.628A>G (p.Lys210Glu)

Gene: BUB1B (BUB1 mitotic checkpoint serine/threonine kinase B; plus strand). Cytogenetic location: 15q15.1.
Variant type: single nucleotide variant.
Coding change: c.628A>G on transcript NM_001211.6 (MANE Select); coding-DNA position 628, A replaced by G.
Protein change: p.Lys210Glu; replaces lysine 210 with glutamic acid.
Molecular consequence: missense variant.
Genome position (GRCh38, 1-based): chr15:40,183,760, A>G. VCF-style: chr15-40183760-A-G. GRCh37 (hg19) VCF-style: chr15-40475961-A-G.
Other names: short protein forms K210E.
Identifiers: ClinVar variation 1752642 (VCV001752642.3), dbSNP rs2542533369, ClinGen allele CA391683232.

ClinVar aggregate classification (germline): Uncertain significance (1 of 4 stars; one submission).

Conditions:
Inborn genetic diseases. Identifiers: MedGen C0950123, MeSH D030342.

Submission:

Ambry Genetics
Classification: Uncertain significance for Inborn genetic diseases. Last evaluated: 2025-09-28. Review status: criteria provided, single submitter. Criteria: Ambry Variant Classification Scheme 2023. Collection method: clinical testing. Allele origin: germline.
Comment: The p.K210E variant (also known as c.628A>G), located in coding exon 6 of the BUB1B gene, results from an A to G substitution at nucleotide position 628. The lysine at codon 210 is replaced by glutamic acid, an amino acid with similar properties. This amino acid position is conserved. In addition, this alteration is predicted to be tolerated by in silico analysis. Since supporting evidence is limited at this time, the clinical significance of this alteration remains unclear.